The following is an entry in ClinVar:

ClinVar aggregate classification (germline): Uncertain significance (1 of 4 stars; one submission).

Conditions:
Hereditary cancer-predisposing syndrome. Also called: Tumor predisposition; Neoplastic Syndromes, Hereditary; Hereditary Cancer Syndrome; Hereditary neoplastic syndrome. Identifiers: Orphanet 140162, MedGen C0027672, MeSH D009386, MONDO:0015356.

Submission:

Ambry Genetics
Classification: Uncertain significance for Hereditary cancer-predisposing syndrome. Last evaluated: 2024-09-16. Review status: criteria provided, single submitter. Criteria: Ambry Variant Classification Scheme 2023. Collection method: clinical testing. Allele origin: germline.
Comment: The p.K1515R variant (also known as c.4544A>G), located in coding exon 10 of the BRCA2 gene, results from an A to G substitution at nucleotide position 4544. The lysine at codon 1515 is replaced by arginine, an amino acid with highly similar properties. This amino acid position is conserved. In addition, this alteration is predicted to be tolerated by in silico analysis. Based on the available evidence, the clinical significance of this variant remains unclear.

NM_000059.4(BRCA2):c.4544A>G (p.Lys1515Arg)

Gene: BRCA2 (BRCA2 DNA repair associated; plus strand). Cytogenetic location: 13q13.1.
Variant type: single nucleotide variant.
Coding change: c.4544A>G on transcript NM_000059.4 (MANE Select); coding-DNA position 4544, A replaced by G.
Protein change: p.Lys1515Arg; replaces lysine 1515 with arginine.
Molecular consequence: missense variant. On other transcripts: non-coding transcript variant (1), intron variant (2).
Genome position (GRCh38, 1-based): chr13:32,338,899, A>G. VCF-style: chr13-32338899-A-G. GRCh37 (hg19) VCF-style: chr13-32913036-A-G.
Other names: c.4544A>G, p.Lys1515Arg (NM_001406719.1, NM_001406720.1, NM_001432077.1); c.1909+5512A>G (NM_001406721.1); c.425-5659A>G (NM_001406722.1); short protein forms K1515R.
Identifiers: ClinVar variation 3482094 (VCV003482094.1).